The following is an entry in ClinVar:

NM_032193.4(RNASEH2C):c.233G>C (p.Gly78Ala)

Gene: RNASEH2C (ribonuclease H2 subunit C; minus strand). Cytogenetic location: 11q13.1.
Variant type: single nucleotide variant.
Coding change: c.233G>C on transcript NM_032193.4 (MANE Select); coding-DNA position 233, G replaced by C.
Protein change: p.Gly78Ala; replaces glycine 78 with alanine.
Molecular consequence: missense variant.
Genome position (GRCh38, 1-based): chr11:65,720,357, C>G on the plus strand (G>C on the coding strand, the complement: RNASEH2C is on the minus strand). VCF-style: chr11-65720357-C-G. GRCh37 (hg19) VCF-style: chr11-65487828-C-G.
Other names: short protein forms G78A.
Identifiers: ClinVar variation 2139150 (VCV002139150.3), dbSNP rs558325124, ClinGen allele CA6107761.

ClinVar aggregate classification (germline): Uncertain significance. Review status: criteria provided, multiple submitters, no conflicts (2 of 4 stars). 2 submissions from 2 submitters: Uncertain significance (2). Last evaluated 2026-02-02.

Conditions:
Aicardi-Goutieres syndrome 3. Identifiers: Orphanet 51, MedGen C1835916, MONDO:0012471, OMIM 610329.
Inborn genetic diseases. Identifiers: MedGen C0950123, MeSH D030342.

Allele frequency attached by ClinVar (database versions not stated): ExAC 0.00001; gnomAD 0.00003; TOPMed 0.00004; 1000 Genomes Project 30x 0.00016; 1000 Genomes Project 0.00020.
gnomAD v4.1: 5 of 1,614,260 alleles (0.00031%); highest among the groups gnomAD compares: Admixed American, 0.0067%; no homozygotes.

Submissions (2):

Labcorp Genetics (formerly Invitae), Labcorp
Classification: Uncertain significance for Aicardi-Goutieres syndrome 3. Last evaluated: 2026-02-02. Review status: criteria provided, single submitter. Criteria: Invitae Variant Classification Sherloc (09022015). Collection method: clinical testing. Allele origin: germline.
Comment: This sequence change replaces glycine, which is neutral and non-polar, with alanine, which is neutral and non-polar, at codon 78 of the RNASEH2C protein (p.Gly78Ala). This variant is present in population databases (rs558325124, gnomAD 0.003%). This variant has not been reported in the literature in individuals affected with RNASEH2C-related conditions. ClinVar contains an entry for this variant (Variation ID: 2139150). An algorithm developed to predict the effect of missense changes on protein structure and function (PolyPhen-2) suggests that this variant is likely to be disruptive. In summary, the available evidence is currently insufficient to determine the role of this variant in disease. Therefore, it has been classified as a Variant of Uncertain Significance.

Ambry Genetics
Classification: Uncertain significance for Inborn genetic diseases. Last evaluated: 2024-01-16. Review status: criteria provided, single submitter. Criteria: Ambry Variant Classification Scheme 2023. Collection method: clinical testing. Allele origin: germline.